The following is an entry in ClinVar:

ClinVar aggregate classification (germline): Conflicting classifications of pathogenicity. Review status: criteria provided, conflicting classifications (1 of 4 stars). 4 submissions from 4 submitters: Uncertain significance (1); Likely benign (2). 1 of the submissions does not count toward it. Last evaluated 2024-06-07.

Conditions:
Growth delay due to insulin-like growth factor I resistance. Also called: Insulin-Like Growth Factor I Resistance; Somatomedin end-organ insensitivity to; Somatomedin-c resistance to; IGF-1 resistance; IGF-I RESISTANCE. Identifiers: Orphanet 73273, MedGen C1849157, MONDO:0010038, OMIM 270450.
IGF1R-related disorder. Also called: IGF1R-related condition.

Allele frequency attached by ClinVar (database versions not stated): gnomAD 0.00001; gnomAD exomes 0.00001 and 0.00002; ExAC 0.00002; TOPMed 0.00002; 1000 Genomes Project 30x 0.00016; 1000 Genomes Project 0.00020.
gnomAD v4.1: 13 of 1,614,142 alleles (0.00081%); highest among the groups gnomAD compares: East Asian, 0.0067%; no homozygotes.

Submissions (4):

Blueprint Genetics
Classification: Likely benign. Last evaluated: 2024-06-07. Review status: criteria provided, single submitter. Criteria: ACMG Guidelines, 2015. Collection method: clinical testing. Allele origin: germline.

Labcorp Genetics (formerly Invitae), Labcorp
Classification: Likely benign. Last evaluated: 2024-04-02. Review status: criteria provided, single submitter. Criteria: Invitae Variant Classification Sherloc (09022015). Collection method: clinical testing. Allele origin: germline.

Illumina Laboratory Services, Illumina
Classification: Uncertain significance for Growth delay due to insulin-like growth factor I resistance. Last evaluated: 2018-01-12. Review status: criteria provided, single submitter. Criteria: ICSL Variant Classification Criteria 13 December 2019. Collection method: clinical testing. Allele origin: germline.

PreventionGenetics, part of Exact Sciences
Classification: Likely benign for IGF1R-related condition. Last evaluated: 2023-07-20. Review status: no assertion criteria provided. Collection method: clinical testing. Allele origin: germline. Not counted in ClinVar's aggregate classification.
Comment: This variant is classified as likely benign based on ACMG/AMP sequence variant interpretation guidelines (Richards et al. 2015 PMID: 25741868, with internal and published modifications).

NM_000875.5(IGF1R):c.3654C>T (p.Asn1218=)

Gene: IGF1R (insulin like growth factor 1 receptor; plus strand). Cytogenetic location: 15q26.3.
Variant type: single nucleotide variant.
Coding change: c.3654C>T on transcript NM_000875.5 (MANE Select); coding-DNA position 3654, C replaced by T.
Protein change: p.Asn1218=; no amino-acid change (asparagine 1218 retained).
Molecular consequence: synonymous variant.
Genome position (GRCh38, 1-based): chr15:98,948,640, C>T. VCF-style: chr15-98948640-C-T. GRCh37 (hg19) VCF-style: chr15-99491869-C-T.
Other names: c.3651C>T, p.Asn1217= (NM_001291858.2); c.3654C>T (NM_000875.4).
Identifiers: ClinVar variation 884822 (VCV000884822.10), dbSNP rs45598038, ClinGen allele CA7752749.